The following is an entry in ClinVar:

NM_000051.4(ATM):c.486del (p.Gln162fs)

Gene: ATM (ATM serine/threonine kinase; plus strand). Cytogenetic location: 11q22.3.
Variant type: Deletion.
Coding change: c.486del on transcript NM_000051.4 (MANE Select); coding-DNA position 486, one base deleted (A; older notation c.486delA).
Protein change: p.Gln162fs; shifts the reading frame from glutamine 162.
Molecular consequence: frameshift variant.
Genome position (GRCh38, 1-based): chr11:108,235,824, A deleted; the last of 2 consecutive A bases (chr11:108,235,823-108,235,824); deleting either gives the same sequence. VCF-style (leftmost placement, unchanged base first): chr11-108235822-CA-C. GRCh37 (hg19) VCF-style: chr11-108106549-CA-C.
Other names: c.486del, p.Gln162fs (NM_001351834.2); short protein forms Q162fs.
Identifiers: ClinVar variation 951629 (VCV000951629.7), dbSNP rs2079247626, ClinGen allele CA1139662261.

ClinVar aggregate classification (germline): Pathogenic (1 of 4 stars; one submission).

Conditions:
Ataxia-telangiectasia syndrome (AT). Also called: LOUIS-BAR SYNDROME; Ataxia telangiectasia (A-T); Cerebello-oculocutaneous telangiectasia; Immunodeficiency with ataxia telangiectasia; ATAXIA-TELANGIECTASIA, COMPLEMENTATION GROUP A; ATAXIA-TELANGIECTASIA, FRESNO VARIANT. Identifiers: Orphanet 100, MedGen C0004135, MONDO:0008840, OMIM 208900.

Submission:

Labcorp Genetics (formerly Invitae), Labcorp
Classification: Pathogenic for Ataxia-telangiectasia syndrome. Last evaluated: 2019-04-28. Review status: criteria provided, single submitter. Criteria: Invitae Variant Classification Sherloc (09022015). Collection method: clinical testing. Allele origin: germline.
Comment: Loss-of-function variants in ATM are known to be pathogenic (PMID: 23807571, 25614872). For these reasons, this variant has been classified as Pathogenic. This variant has not been reported in the literature in individuals with ATM-related conditions. This variant is not present in population databases (ExAC no frequency). This sequence change creates a premature translational stop signal (p.Gln162Hisfs*4) in the ATM gene. It is expected to result in an absent or disrupted protein product.

Literature cited by the submitters: PubMed 23807571; PubMed 25614872.